The following is an entry in ClinVar:

NM_001134363.3(RBM20):c.19A>G (p.Met7Val)

Gene: RBM20 (RNA binding motif protein 20; plus strand). Cytogenetic location: 10q25.2.
Variant type: single nucleotide variant.
Coding change: c.19A>G on transcript NM_001134363.3 (MANE Select); coding-DNA position 19, A replaced by G.
Protein change: p.Met7Val; replaces methionine 7 with valine.
Molecular consequence: missense variant.
Genome position (GRCh38, 1-based): chr10:110,644,473, A>G. VCF-style: chr10-110644473-A-G. GRCh37 (hg19) VCF-style: chr10-112404231-A-G.
Other names: short protein forms M7V.
Identifiers: ClinVar variation 1306169 (VCV001306169.5), dbSNP rs1590590851, ClinGen allele CA378527280.

ClinVar aggregate classification (germline): Uncertain significance. Review status: criteria provided, multiple submitters, no conflicts (2 of 4 stars). 2 submissions from 2 submitters: Uncertain significance (2). Last evaluated 2024-11-11.

Conditions:
Dilated cardiomyopathy 1DD (CMD1DD). Identifiers: Orphanet 154, MedGen C2750995, MONDO:0013168, OMIM 613172.

gnomAD v4.1: 1 of 1,518,608 alleles (0.000066%); highest among the groups gnomAD compares: Non-Finnish European, 0.000088%; no homozygotes.

Submissions (2):

Labcorp Genetics (formerly Invitae), Labcorp
Classification: Uncertain significance for Dilated cardiomyopathy 1DD. Last evaluated: 2024-11-11. Review status: criteria provided, single submitter. Criteria: Invitae Variant Classification Sherloc (09022015). Collection method: clinical testing. Allele origin: germline.
Comment: This sequence change replaces methionine, which is neutral and non-polar, with valine, which is neutral and non-polar, at codon 7 of the RBM20 protein (p.Met7Val). This variant is not present in population databases (gnomAD no frequency). This variant has not been reported in the literature in individuals affected with RBM20-related conditions. ClinVar contains an entry for this variant (Variation ID: 1306169). Invitae Evidence Modeling of protein sequence and biophysical properties (such as structural, functional, and spatial information, amino acid conservation, physicochemical variation, residue mobility, and thermodynamic stability) indicates that this missense variant is not expected to disrupt RBM20 protein function with a negative predictive value of 95%. In summary, the available evidence is currently insufficient to determine the role of this variant in disease. Therefore, it has been classified as a Variant of Uncertain Significance.

GeneDx
Classification: Uncertain significance. Last evaluated: 2024-05-30. Review status: criteria provided, single submitter. Criteria: GeneDx Variant Classification Process June 2021. Collection method: clinical testing. Allele origin: germline. Affected: yes.
Comment: Identified in an individual with mitral valve insufficiency and dilated cardiomyopathy who also carried other variants in cardiomyopathy gene(s) (PMID: 37298070); Not observed at significant frequency in large population cohorts (gnomAD); In silico analysis indicates that this missense variant does not alter protein structure/function; This variant is associated with the following publications: (PMID: 37298070)